The following is an entry in ClinVar:

ClinVar aggregate classification (germline): Benign/Likely benign. Review status: criteria provided, multiple submitters, no conflicts (2 of 4 stars). 3 submissions from 3 submitters: Benign (1); Likely benign (2). Last evaluated 2025-05-06.

Conditions:
Tuberous sclerosis 1 (TSC1). Identifiers: Orphanet 805, MedGen C1854465, MONDO:0008612, OMIM 191100.
Hereditary cancer-predisposing syndrome. Also called: Neoplastic Syndromes, Hereditary; Tumor predisposition; Hereditary Cancer Syndrome; Hereditary neoplastic syndrome. Identifiers: Orphanet 140162, MedGen C0027672, MeSH D009386, MONDO:0015356.

Allele frequency attached by ClinVar (database versions not stated): gnomAD exomes below 0.00001.
gnomAD v4.1: 1 of 1,614,226 alleles (0.000062%); highest among the groups gnomAD compares: Non-Finnish European, 0.000085%; no homozygotes.

Submissions (3):

Ambry Genetics
Classification: Likely benign for Hereditary cancer-predisposing syndrome. Last evaluated: 2025-05-06. Review status: criteria provided, single submitter. Criteria: Ambry Variant Classification Scheme 2023. Collection method: clinical testing. Allele origin: germline.

Myriad Genetics, Inc.
Classification: Benign for Tuberous sclerosis 1. Last evaluated: 2025-04-30. Review status: criteria provided, single submitter. Criteria: Myriad Autosomal Dominant, Autosomal Recessive and X-Linked Classification Criteria (2023). Collection method: clinical testing. Allele origin: unknown.
Comment: This variant is considered benign. This variant is a silent/synonymous amino acid change and it is not expected to impact splicing.

Labcorp Genetics (formerly Invitae), Labcorp
Classification: Likely benign for Tuberous sclerosis 1. Last evaluated: 2020-02-27. Review status: criteria provided, single submitter. Criteria: Invitae Variant Classification Sherloc (09022015). Collection method: clinical testing. Allele origin: germline.

NM_000368.5(TSC1):c.3459C>T (p.Ile1153=)

Gene: TSC1 (TSC complex subunit 1; minus strand). Cytogenetic location: 9q34.13.
Variant type: single nucleotide variant.
Coding change: c.3459C>T on transcript NM_000368.5 (MANE Select); coding-DNA position 3459, C replaced by T.
Protein change: p.Ile1153=; no amino-acid change (isoleucine 1153 retained).
Molecular consequence: synonymous variant.
Genome position (GRCh38, 1-based): chr9:132,896,271, G>A on the plus strand (C>T on the coding strand, the complement: TSC1 is on the minus strand). VCF-style: chr9-132896271-G-A. GRCh37 (hg19) VCF-style: chr9-135771658-G-A.
Other names: c.3456C>T, p.Ile1152= (NM_001162426.2); c.3306C>T, p.Ile1102= (NM_001162427.2); c.3096C>T, p.Ile1032= (NM_001362177.2); c.3459C>T (NM_000368.4).
Identifiers: ClinVar variation 1127294 (VCV001127294.11), dbSNP rs1290663446, ClinGen allele CA467812853.
Genomic context (GRCh38, chr9:132,896,271, plus strand): 5'-TTAACACTGATTGACCATCATTCCTTAGCTGTGTTCATGATGAGTCTCATTGTAGTCCAT[G>A]ATATGTAGCTGTCCAACACTGTCCGGGGTCGGGGGAGACGGGTGAGGGCCATCTAGGTTC-3'
Protein context (NP_000359.1, residues 1143-1163): PTPDSVGQLH[Ile1153=]MDYNETHHEH